The following is an entry in ClinVar:

NM_000540.3(RYR1):c.10019-7C>A

Gene: RYR1 (ryanodine receptor 1; plus strand). Cytogenetic location: 19q13.2.
Variant type: single nucleotide variant.
Coding change: c.10019-7C>A on transcript NM_000540.3 (MANE Select); 7 bases into the intron before coding-DNA position 10019, C replaced by A.
Molecular consequence: intron variant.
Genome position (GRCh38, 1-based): chr19:38,519,207, C>A. VCF-style: chr19-38519207-C-A. GRCh37 (hg19) VCF-style: chr19-39009847-C-A.
Other names: c.10019-7C>A (NM_001042723.2).
Identifiers: ClinVar variation 1964497 (VCV001964497.5), dbSNP rs2514442673, ClinGen allele CA2580097199.

ClinVar aggregate classification (germline): Uncertain significance (1 of 4 stars; one submission).

Conditions:
RYR1-related disorder. Also called: RYR1-related condition; RYR1-related disorders. Identifiers: MedGen CN239331.

Submission:

Labcorp Genetics (formerly Invitae), Labcorp
Classification: Uncertain significance for RYR1-related disorder. Last evaluated: 2022-08-02. Review status: criteria provided, single submitter. Criteria: Invitae Variant Classification Sherloc (09022015). Collection method: clinical testing. Allele origin: germline.
Comment: In summary, the available evidence is currently insufficient to determine the role of this variant in disease. Therefore, it has been classified as a Variant of Uncertain Significance. Algorithms developed to predict the effect of sequence changes on RNA splicing suggest that this variant may create or strengthen a splice site. This variant has not been reported in the literature in individuals affected with RYR1-related conditions. This variant is not present in population databases (gnomAD no frequency). This sequence change falls in intron 66 of the RYR1 gene. It does not directly change the encoded amino acid sequence of the RYR1 protein.